The following is an entry in ClinVar:

ClinVar aggregate classification (germline): Pathogenic/Likely pathogenic. Review status: criteria provided, multiple submitters, no conflicts (2 of 4 stars). 3 submissions from 3 submitters: Pathogenic (1); Likely pathogenic (2). Last evaluated 2024-05-07.

Conditions:
Heimler syndrome 1 (HMLR1). Also called: PEROXISOME BIOGENESIS DISORDER 1C. Identifiers: Orphanet 3220, MedGen C4551980, OMIM 234580, MONDO:0024544.
Zellweger spectrum disorders (ZS). Also called: Zellweger syndrome; Zellweger Spectrum Disorder (ZSD); Zellweger Spectrum Disorder; Zellweger Spectrum. Identifiers: Orphanet 912, MedGen C0043459, MONDO:0019609.
Peroxisome biogenesis disorder 1B (PBD1B). Also called: PEROXISOME BIOGENESIS DISORDER (NEONATAL ADRENOLEUKODYSTROPHY/INFANTILE REFSUM DISEASE); INFANTILE PHYTANIC ACID STORAGE DISEASE; Refsum disease, infantile form; Infantile Refsum disease; Infantile form of phytanic acid storage disease; PEROXISOME BIOGENESIS DISORDER (NALD/IRD). Identifiers: Orphanet 44, MedGen C0282527, MONDO:0011101, OMIM 601539.
Peroxisome biogenesis disorder 1A (Zellweger) (PBD1A). Also called: Zellweger leukodystrophy; Peroxisome biogenesis disorder 1a. Identifiers: MedGen C4721541, MONDO:0008953, OMIM 214100.

gnomAD v4.1: 1 of 1,611,930 alleles (0.000062%); highest among the groups gnomAD compares: South Asian, 0.0011%; no homozygotes.

Submissions (3):

Fulgent Genetics
Classification: Likely pathogenic for Peroxisome biogenesis disorder 1A (Zellweger); Heimler syndrome 1; Peroxisome biogenesis disorder 1B. Last evaluated: 2024-05-07. Review status: criteria provided, single submitter. Criteria: ACMG Guidelines, 2015. Collection method: clinical testing. Allele origin: germline.

Baylor Genetics
Classification: Likely pathogenic for Heimler syndrome 1. Last evaluated: 2023-08-14. Review status: criteria provided, single submitter. Criteria: ACMG Guidelines, 2015. Collection method: clinical testing. Allele origin: unknown.

Labcorp Genetics (formerly Invitae), Labcorp
Classification: Pathogenic for Zellweger spectrum disorders. Last evaluated: 2023-01-11. Review status: criteria provided, single submitter. Criteria: Invitae Variant Classification Sherloc (09022015). Collection method: clinical testing. Allele origin: germline.
Comment: For these reasons, this variant has been classified as Pathogenic. This variant has not been reported in the literature in individuals affected with PEX1-related conditions. This variant is present in population databases (no rsID available, gnomAD 0.003%). This sequence change creates a premature translational stop signal (p.Gln1231*) in the PEX1 gene. It is expected to result in an absent or disrupted protein product. Loss-of-function variants in PEX1 are known to be pathogenic (PMID: 9398847, 16086329, 16141001, 21031596, 26387595, 31831025).

Literature cited by the submitters: PubMed 9398847 (cited by Labcorp Genetics (formerly Invitae), Labcorp); PubMed 16086329 (cited by Labcorp Genetics (formerly Invitae), Labcorp); PubMed 16141001 (cited by Labcorp Genetics (formerly Invitae), Labcorp); PubMed 21031596 (cited by Labcorp Genetics (formerly Invitae), Labcorp); PubMed 26387595 (cited by Labcorp Genetics (formerly Invitae), Labcorp); PubMed 31831025 (cited by Labcorp Genetics (formerly Invitae), Labcorp).

NM_000466.3(PEX1):c.3691C>T (p.Gln1231Ter)

Genes: PEX1 (peroxisomal biogenesis factor 1; minus strand), GATAD1 (GATA zinc finger domain containing 1; plus strand). Cytogenetic location: 7q21.2.
Variant type: single nucleotide variant.
Coding change: c.3691C>T on transcript NM_000466.3 (MANE Select); coding-DNA position 3691, C replaced by T.
Protein change: p.Gln1231Ter; replaces glutamine 1231 with a stop codon.
Molecular consequence: nonsense.
Genome position (GRCh38, 1-based): chr7:92,489,369, G>A on the plus strand (C>T on the coding strand, the complement: PEX1 is on the minus strand). VCF-style: chr7-92489369-G-A. GRCh37 (hg19) VCF-style: chr7-92118683-G-A.
Other names: c.3520C>T, p.Gln1174Ter (NM_001282677.2); c.3067C>T, p.Gln1023Ter (NM_001282678.2); short protein forms Q1023*, Q1174*, Q1231*.
Identifiers: ClinVar variation 2677610 (VCV002677610.5), dbSNP rs1393663701, ClinGen allele CA368159802.
Genomic context (GRCh38, chr7:92,489,369, plus strand): 5'-TCCAGTCATCTTCACTAATGGATGGTCTTGTGTGACCAAGTGCAGTCATTAAATGTGACT[G>A]ACTAATAGCCAGTCTGGTTTTGATTGGTCCTGGTTGGTTCATGGATTCGTCCTCCTTAAG-3'